The following is an entry in ClinVar:

ClinVar aggregate classification (germline): Uncertain significance (1 of 4 stars; one submission).

Conditions:
Chédiak-Higashi syndrome (CHS). Also called: Chediak-Higashi Syndrome. Identifiers: Orphanet 167, MedGen C0007965, MONDO:0008963, OMIM 214500.

Allele frequency attached by ClinVar (database versions not stated): TOPMed 0.00001.

Submission:

Labcorp Genetics (formerly Invitae), Labcorp
Classification: Uncertain significance for Chédiak-Higashi syndrome. Last evaluated: 2022-10-13. Review status: criteria provided, single submitter. Criteria: Invitae Variant Classification Sherloc (09022015). Collection method: clinical testing. Allele origin: germline.
Comment: This sequence change replaces glutamine, which is neutral and polar, with arginine, which is basic and polar, at codon 1863 of the LYST protein (p.Gln1863Arg). In summary, the available evidence is currently insufficient to determine the role of this variant in disease. Therefore, it has been classified as a Variant of Uncertain Significance. Advanced modeling of protein sequence and biophysical properties (such as structural, functional, and spatial information, amino acid conservation, physicochemical variation, residue mobility, and thermodynamic stability) performed at Invitae indicates that this missense variant is not expected to disrupt LYST protein function. This variant has not been reported in the literature in individuals affected with LYST-related conditions. This variant is not present in population databases (gnomAD no frequency).

NM_000081.4(LYST):c.5588A>G (p.Gln1863Arg)

Gene: LYST (lysosomal trafficking regulator; minus strand). Cytogenetic location: 1q42.3.
Variant type: single nucleotide variant.
Coding change: c.5588A>G on transcript NM_000081.4 (MANE Select); coding-DNA position 5588, A replaced by G.
Protein change: p.Gln1863Arg; replaces glutamine 1863 with arginine.
Molecular consequence: missense variant.
Genome position (GRCh38, 1-based): chr1:235,774,959, T>C on the plus strand (A>G on the coding strand, the complement: LYST is on the minus strand). VCF-style: chr1-235774959-T-C. GRCh37 (hg19) VCF-style: chr1-235938259-T-C.
Other names: c.5588A>G, p.Gln1863Arg (NM_001301365.1); short protein forms Q1863R.
Identifiers: ClinVar variation 2101943 (VCV002101943.4), dbSNP rs1669082383, ClinGen allele CA344951063.